The following continues an entry in ClinVar:

NM_024675.4(PALB2):c.1194G>A (p.Val398=)

Gene: PALB2. ClinVar aggregate classification (germline): Conflicting classifications of pathogenicity. Uncertain significance (1); Benign (8); Likely benign (12).

Submissions 25 to 31 of 31:

Clinical Genetics Laboratory, Department of Pathology, Netherlands Cancer Institute
Classification: Likely benign. Review status: no assertion criteria provided. Collection method: clinical testing. Allele origin: germline. Affected: yes. Study: VKGL Data-share Consensus. Not counted in ClinVar's aggregate classification.

Department of Pathology and Laboratory Medicine, Sinai Health System
Classification: Benign for Malignant tumor of breast. Review status: no assertion criteria provided. Collection method: clinical testing. Allele origin: unknown. Affected: yes. Study: The Canadian Open Genetics Repository (COGR). Not counted in ClinVar's aggregate classification.
Comment: The PALB2 p.Val398= variant was identified in 10 of 7040 proband chromosomes (frequency: 0.001) from individuals or families with breast and ovarian cancers of Spanish, Italian, German, and Australian nationalities and was present in 9 of 6464 control chromosomes (frequency: 0.001) from healthy individuals (Blanco 2012, Catucci 2014, Hellebrand 2011, Thompson 2015). The variant was also identified in dbSNP (ID: rs61755173) as â€šÃ„Ãºwith Likely benign, other alleleâ€šÃ„Ã¹, in ClinVar and Clinvitae databases as benign by Invitae, GeneDx, PALB2 database and likely benign by Ambry Genetics, Cancer Genetics Laboratory, Peter MacCallum Cancer Centre, and Illumina Clinical Services; and identified 2X in the LOVD 3.0 database. The variant was not identified in Cosmic, MutDB, Zhejiang Colon Cancer databases. The variant was identified in the 1000 Genomes Project in 4 of 5000 chromosomes (frequency: 0.0008) and in the NHLBI GO Exome Sequencing Project in 20 of 8600 European American African alleles. In addition, the variant was identified in control databases in 212 of 276616 chromosomes at a frequency of 0.0008 in the following populations: African in 9 of 24030 chromosomes (freq. 0.0004), Latino in 19 of 34416 chromosomes (freq. 0.0006), European Non-Finnish in 170 of 126264 chromosomes (freq. 0.001), Ashkenazi Jewish in 9 of 10148 chromosomes (freq. 0.0009), European Finnish in 1 of 25660 chromosomes (freq. 0.00004), and Other in 4 of 6454 chromosomes (freq. 0.0006) but was not seen in East Asian and South Asian POP populations increasing the likelihood this could be a low frequency benign variant (Genome Aggregation Consortium Feb 27, 2017). The p.Val398= variant is not expected to have clinical significance because it does not result in a change of amino acid and is not located in a known consensus splice site. In addition, in silico or computational prediction software programs (SpliceSiteFinder, MaxEntScan, NNSPLICE, GeneSplicer, HumanSpliceFinder) do not predict a difference in splicing. In summary, based on the above information this variant meets our laboratory's criteria to be classified as benign.

Diagnostic Laboratory, Department of Genetics, University Medical Center Groningen
Classification: Likely benign. Review status: no assertion criteria provided. Collection method: clinical testing. Allele origin: germline. Affected: yes. Study: VKGL Data-share Consensus. Not counted in ClinVar's aggregate classification.

Genome Diagnostics Laboratory, Amsterdam University Medical Center
Classification: Benign. Review status: no assertion criteria provided. Collection method: clinical testing. Allele origin: germline. Affected: yes. Study: VKGL Data-share Consensus. Not counted in ClinVar's aggregate classification.

Genome Diagnostics Laboratory, University Medical Center Utrecht
Classification: Likely benign. Review status: no assertion criteria provided. Collection method: clinical testing. Allele origin: germline. Affected: yes. Study: VKGL Data-share Consensus. Not counted in ClinVar's aggregate classification.

Joint Genome Diagnostic Labs from Nijmegen and Maastricht, Radboudumc and MUMC+
Classification: Likely benign. Review status: no assertion criteria provided. Collection method: clinical testing. Allele origin: germline. Affected: yes. Study: VKGL Data-share Consensus. Not counted in ClinVar's aggregate classification.

Laboratory of Diagnostic Genome Analysis, Leiden University Medical Center (LUMC)
Classification: Likely benign. Review status: no assertion criteria provided. Collection method: clinical testing. Allele origin: germline. Affected: yes. Study: VKGL Data-share Consensus. Not counted in ClinVar's aggregate classification.

Literature cited by the submitters: PubMed 33512806 (cited by Quest Diagnostics Nichols Institute San Juan Capistrano); PubMed 22052327 (cited by Quest Diagnostics Nichols Institute San Juan Capistrano); PubMed 17200668 (cited by Quest Diagnostics Nichols Institute San Juan Capistrano); PubMed 18302019 (cited by Quest Diagnostics Nichols Institute San Juan Capistrano); PubMed 21365267 (cited by Quest Diagnostics Nichols Institute San Juan Capistrano); PubMed 21618343 (cited by Quest Diagnostics Nichols Institute San Juan Capistrano and Women's Health and Genetics/Laboratory Corporation of America, LabCorp); PubMed 23935836 (cited by Quest Diagnostics Nichols Institute San Juan Capistrano); PubMed 24949998 (cited by Quest Diagnostics Nichols Institute San Juan Capistrano and Leiden Open Variation Database); PubMed 26283626 (cited by Quest Diagnostics Nichols Institute San Juan Capistrano); PubMed 27573125 (cited by Quest Diagnostics Nichols Institute San Juan Capistrano); PubMed 29052111 (cited by Quest Diagnostics Nichols Institute San Juan Capistrano); PubMed 26564480 (cited by Women's Health and Genetics/Laboratory Corporation of America, LabCorp); PubMed 24556926 (cited by Leiden Open Variation Database).